The following is an entry in ClinVar:

NM_024789.4(SLC68A1):c.417G>A (p.Thr139=)

Gene: SLC68A1 (solute carrier family 68 member 1; plus strand). Cytogenetic location: 10q24.32.
Variant type: single nucleotide variant.
Coding change: c.417G>A on transcript NM_024789.4 (MANE Select); coding-DNA position 417, G replaced by A.
Protein change: p.Thr139=; no amino-acid change (threonine 139 retained).
Molecular consequence: synonymous variant.
Genome position (GRCh38, 1-based): chr10:102,470,830, G>A. VCF-style: chr10-102470830-G-A. GRCh37 (hg19) VCF-style: chr10-104230587-G-A.
Identifiers: ClinVar variation 4871965 (VCV004871965.2).
Genomic context (GRCh38, chr10:102,470,830, plus strand): 5'-CTGGGCCCCAGCTGGCCTGCAGTTCTTGCTGTGCCTGTGCCTCTATGATGGCTTCCTGAC[G>A]CTCGTGGACCTGCACCACCATGCCTTGCTGGCCGACCTGGCCCTCTCAGCCCACGACCGC-3'
Protein context (NP_079065.2, residues 129-149): LCLCLYDGFL[Thr139=]LVDLHHHALL

ClinVar aggregate classification (germline): Likely benign (1 of 4 stars; one submission).

gnomAD v4.1: 12,242 of 1,613,584 alleles (0.76%); highest among the groups gnomAD compares: Non-Finnish European, 0.94%; 69 homozygotes.

Submission:

CeGaT Center for Human Genetics Tuebingen
Classification: Likely benign. Last evaluated: 2026-05-01. Review status: criteria provided, single submitter. Criteria: CeGaT Center For Human Genetics Tuebingen Variant Classification Criteria Version 2. Collection method: clinical testing. Allele origin: germline. Affected: yes. Observed: 1 variant allele.
Comment: SLC68A1: BP4, BP7, BS2